The following is an entry in ClinVar:

NM_000133.4(F9):c.1110G>A (p.Gln370=)

Gene: F9 (coagulation factor IX; plus strand). Cytogenetic location: Xq27.1.
Variant type: single nucleotide variant.
Coding change: c.1110G>A on transcript NM_000133.4 (MANE Select); coding-DNA position 1110, G replaced by A.
Protein change: p.Gln370=; no amino-acid change (glutamine 370 retained).
Molecular consequence: synonymous variant.
Genome position (GRCh38, 1-based): chrX:139,561,795, G>A. VCF-style: chrX-139561795-G-A. GRCh37 (hg19) VCF-style: chrX-138643954-G-A.
Other names: c.996G>A, p.Gln332= (NM_001313913.2).
Identifiers: ClinVar variation 368003 (VCV000368003.25), dbSNP rs34698779, ClinGen allele CA10529872.

ClinVar aggregate classification (germline): Benign. Review status: criteria provided, multiple submitters, no conflicts (2 of 4 stars). 5 submissions from 5 submitters: Benign (4). 1 of the submissions does not count toward it. Last evaluated 2026-02-03.

Conditions:
F9-related disorder. Also called: F9-related condition.
Hereditary factor IX deficiency disease (HEMB). Also called: Christmas Disease; F9 DEFICIENCY; FACTOR IX DEFICIENCY; PLASMA THROMBOPLASTIN COMPONENT DEFICIENCY; Hemophilia B. Identifiers: Orphanet 98879, MedGen C0008533, MeSH D002836, MONDO:0010604, OMIM 306900.
Thrombophilia, X-linked, due to factor 9 defect. Identifiers: MedGen C2749016, MONDO:0010432, OMIM 300807.

Allele frequency attached by ClinVar (database versions not stated): 1000 Genomes Project 30x 0.00708; 1000 Genomes Project 0.00715; gnomAD 0.00787 and 0.00833; TOPMed 0.00948; ESP Exome Variant Server 0.01212; gnomAD exomes 0.00102 and 0.00247; ExAC 0.00300.
gnomAD v4.1: 2,062 of 1,210,286 alleles (0.17%); highest among the groups gnomAD compares: African/African-American, 2.8%; 24 homozygotes.

Submissions (5):

Labcorp Genetics (formerly Invitae), Labcorp
Classification: Benign for Thrombophilia, X-linked, due to factor 9 defect; Hereditary factor IX deficiency disease. Last evaluated: 2026-02-03. Review status: criteria provided, single submitter. Criteria: Invitae Variant Classification Sherloc (09022015). Collection method: clinical testing. Allele origin: germline.

ARUP Laboratories, Molecular Genetics and Genomics, ARUP Laboratories
Classification: Benign. Last evaluated: 2019-02-04. Review status: criteria provided, single submitter. Criteria: ARUP Molecular Germline Variant Investigation Process. Collection method: clinical testing. Allele origin: germline.

Illumina Laboratory Services, Illumina
Classification: Benign for Hereditary factor IX deficiency disease. Last evaluated: 2018-01-13. Review status: criteria provided, single submitter. Criteria: ICSL Variant Classification Criteria 13 December 2019. Collection method: clinical testing. Allele origin: germline.
Comment: This variant was observed in the ICSL laboratory as part of a predisposition screen in an ostensibly healthy population. It had not been previously curated by ICSL or reported in the Human Gene Mutation Database (HGMD: prior to June 1st, 2018), and was therefore a candidate for classification through an automated scoring system. Utilizing variant allele frequency, disease prevalence and penetrance estimates, and inheritance mode, an automated score was calculated to assess if this variant is too frequent to cause the disease. Based on the score and internal cut-off values, a variant classified as benign is not then subjected to further curation. The score for this variant resulted in a classification of benign for this disease.

Breakthrough Genomics
Classification: Benign. Review status: criteria provided, single submitter. Criteria: ACMG Guidelines, 2015. Collection method: not provided. Allele origin: germline. Inheritance: X-linked inheritance. Affected: yes.

PreventionGenetics, part of Exact Sciences
Classification: Benign for F9-related condition. Last evaluated: 2021-11-06. Review status: no assertion criteria provided. Collection method: clinical testing. Allele origin: germline. Not counted in ClinVar's aggregate classification.
Comment: This variant is classified as benign based on ACMG/AMP sequence variant interpretation guidelines (Richards et al. 2015 PMID: 25741868, with internal and published modifications).